The following is an entry in ClinVar:

ClinVar aggregate classification (germline): Uncertain significance (1 of 4 stars; one submission).

Conditions:
Tuberous sclerosis 2 (TSC2). Identifiers: Orphanet 805, MedGen C1860707, MONDO:0013199, OMIM 613254.

Submission:

Labcorp Genetics (formerly Invitae), Labcorp
Classification: Uncertain significance for Tuberous sclerosis 2. Last evaluated: 2021-12-02. Review status: criteria provided, single submitter. Criteria: Invitae Variant Classification Sherloc (09022015). Collection method: clinical testing. Allele origin: germline.
Comment: In summary, the available evidence is currently insufficient to determine the role of this variant in disease. Therefore, it has been classified as a Variant of Uncertain Significance. Algorithms developed to predict the effect of sequence changes on RNA splicing suggest that this variant may disrupt the consensus splice site. This variant has not been reported in the literature in individuals affected with TSC2-related conditions. This variant is not present in population databases (gnomAD no frequency). This sequence change falls in intron 10 of the TSC2 gene. It does not directly change the encoded amino acid sequence of the TSC2 protein.

NM_000548.5(TSC2):c.976-10C>G

Gene: TSC2 (TSC complex subunit 2; plus strand). Cytogenetic location: 16p13.3.
Variant type: single nucleotide variant.
Coding change: c.976-10C>G on transcript NM_000548.5 (MANE Select); 10 bases into the intron before coding-DNA position 976, C replaced by G.
Molecular consequence: intron variant.
Genome position (GRCh38, 1-based): chr16:2,060,660, C>G. VCF-style: chr16-2060660-C-G. GRCh37 (hg19) VCF-style: chr16-2110661-C-G.
Other names: c.976-10C>G (NM_001114382.3, NM_021055.3, NM_001370405.1 and 3 more transcripts); c.865-10C>G (NM_001318827.2); c.376-10C>G (NM_001318831.2); c.829-10C>G (NM_001318829.2); c.1009-10C>G (NM_001318832.2).
Identifiers: ClinVar variation 1510970 (VCV001510970.8), dbSNP rs765990217, ClinGen allele CA2573151537.
Genomic context (GRCh38, chr16:2,060,660, plus strand): 5'-GTGACTGGGAGGGCGTCCCACAGCAAGCAAGCAGCTCTGACCCTGTGTGCTGGCCGGGCT[C>G]GTGTTCCAGGCCATGGCATGTCCGAACGAGGTGGTGTCCTATGAGATCGTCCTGTCCATC-3'